The following is an entry in ClinVar:

NM_001103.4(ACTN2):c.2179C>G (p.Leu727Val)

Gene: ACTN2 (actinin alpha 2; plus strand). Cytogenetic location: 1q43.
Variant type: single nucleotide variant.
Coding change: c.2179C>G on transcript NM_001103.4 (MANE Select); coding-DNA position 2179, C replaced by G.
Protein change: p.Leu727Val; replaces leucine 727 with valine.
Molecular consequence: missense variant.
Genome position (GRCh38, 1-based): chr1:236,757,510, C>G. VCF-style: chr1-236757510-C-G. GRCh37 (hg19) VCF-style: chr1-236920810-C-G.
Other names: c.2179C>G (NM_001103.2); c.2179C>G, p.Leu727Val (NM_001278343.2); c.1555C>G, p.Leu519Val (NM_001278344.2); short protein forms L519V, L727V.
Identifiers: ClinVar variation 958080 (VCV000958080.9), dbSNP rs767078596, ClinGen allele CA1473370.

ClinVar aggregate classification (germline): Conflicting classifications of pathogenicity. Review status: criteria provided, conflicting classifications (1 of 4 stars). 3 submissions from 3 submitters: Uncertain significance (2); Likely benign (1). Last evaluated 2026-05-27.

Conditions:
ACTN2-related disorder. Also called: ACTN2-related disorders; ACTN2 related condition.
Primary familial hypertrophic cardiomyopathy (HCM). Identifiers: Orphanet 99739, MedGen C0949658, MeSH D024741, MONDO:0024573. Inheritance: Various modes of inheritance.
Dilated cardiomyopathy 1AA (CMD1AA). Also called: CARDIOMYOPATHY, DILATED, 1AA, WITH OR WITHOUT LEFT VENTRICULAR NONCOMPACTION; CARDIOMYOPATHY, FAMILIAL HYPERTROPHIC, 23, WITH OR WITHOUT LEFT VENTRICULAR NONCOMPACTION; Cardiomyopathy, dilated, 1AA, with or without LVNC. Identifiers: Orphanet 154, MedGen C2677338, MONDO:0012808, OMIM 612158.
Cardiovascular phenotype. Identifiers: MedGen CN230736.

Allele frequency attached by ClinVar (database versions not stated): TOPMed 0.00001; ExAC 0.00002; gnomAD exomes 0.00003.

Submissions (3):

PreventionGenetics, part of Exact Sciences
Classification: Uncertain significance for ACTN2-related condition. Last evaluated: 2026-05-27. Review status: criteria provided, single submitter. Criteria: ACMG Guidelines, 2015. Collection method: clinical testing. Allele origin: germline.
Comment: The ACTN2 c.2179C>G variant is predicted to result in the amino acid substitution p.Leu727Val. To our knowledge, this variant has not been reported in the literature. This variant is reported in 0.020% of alleles in individuals of Latino descent in gnomAD. Although we suspect that this variant may be benign, at this time, the clinical significance of this variant is uncertain due to the absence of conclusive functional and genetic evidence.

Ambry Genetics
Classification: Uncertain significance for Cardiovascular phenotype. Last evaluated: 2025-08-28. Review status: criteria provided, single submitter. Criteria: Ambry Variant Classification Scheme 2023. Collection method: clinical testing. Allele origin: germline.
Comment: The p.L727V variant (also known as c.2179C>G), located in coding exon 18 of the ACTN2 gene, results from a C to G substitution at nucleotide position 2179. The leucine at codon 727 is replaced by valine, an amino acid with highly similar properties. This amino acid position is conserved. In addition, the in silico prediction for this alteration is inconclusive. Based on the available evidence, the clinical significance of this variant remains unclear.

Labcorp Genetics (formerly Invitae), Labcorp
Classification: Likely benign for Primary familial hypertrophic cardiomyopathy; Dilated cardiomyopathy 1AA. Last evaluated: 2023-10-16. Review status: criteria provided, single submitter. Criteria: Invitae Variant Classification Sherloc (09022015). Collection method: clinical testing. Allele origin: germline.